The following is an entry in ClinVar:

NM_000155.4(GALT):c.378-2A>G

Gene: GALT (galactose-1-phosphate uridylyltransferase; plus strand). Cytogenetic location: 9p13.3.
Variant type: single nucleotide variant.
Coding change: c.378-2A>G on transcript NM_000155.4 (MANE Select); the canonical splice acceptor site of the intron before coding-DNA position 378, A replaced by G.
Molecular consequence: splice acceptor variant.
Genome position (GRCh38, 1-based): chr9:34,647,830, A>G. VCF-style: chr9-34647830-A-G. GRCh37 (hg19) VCF-style: chr9-34647827-A-G.
Other names: c.51-2A>G (NM_001258332.2); c.378-2A>G (NM_000155.3).
Identifiers: ClinVar variation 1066878 (VCV001066878.8), dbSNP rs1554709280, ClinGen allele CA373280508.

ClinVar aggregate classification (germline): Likely pathogenic. Review status: criteria provided, multiple submitters, no conflicts (2 of 4 stars). 2 submissions from 2 submitters: Likely pathogenic (2). Last evaluated 2024-04-09.

Conditions:
Galactosemia. Also called: Galactose intolerance. Identifiers: Orphanet 352, MedGen C0016952, MONDO:0018116, HP:0004919. Disease mechanism: loss of function.
Deficiency of UDPglucose-hexose-1-phosphate uridylyltransferase. Also called: GALACTOSE-1-PHOSPHATE URIDYLYLTRANSFERASE DEFICIENCY; GALACTOSEMIA I; GALT deficiency; Galactosemia, classic; Transferase Deficiency Galactosemia. Identifiers: Orphanet 352, Orphanet 79239, MedGen C0268151, MONDO:0009258, OMIM 230400.

Submissions (2):

Natera, Inc.
Classification: Likely pathogenic for Galactosemia. Last evaluated: 2024-04-09. Review status: criteria provided, single submitter. Criteria: Natera Variant Classification Schema (03/2026). Collection method: clinical testing. Allele origin: germline.
Comment: The c.378-2A>G variant in GALT is a canonical splice acceptor site variant predicted to affect pre-mRNA splicing, which may result in an abnormal transcript and altered protein product. This variant is expected to result in nonsense mediated decay, truncation, or a dysfunctional protein product. This variant is rare in the general population with a frequency below the threshold expected for the associated phenotype(s). Given the available evidence, this variant is classified as Likely Pathogenic.

Labcorp Genetics (formerly Invitae), Labcorp
Classification: Likely pathogenic for Deficiency of UDPglucose-hexose-1-phosphate uridylyltransferase. Last evaluated: 2020-03-05. Review status: criteria provided, single submitter. Criteria: Invitae Variant Classification Sherloc (09022015). Collection method: clinical testing. Allele origin: germline.
Comment: This sequence change affects an acceptor splice site in intron 4 of the GALT gene. It is expected to disrupt RNA splicing and likely results in an absent or disrupted protein product. This variant is not present in population databases (ExAC no frequency). This variant has not been reported in the literature in individuals with GALT-related conditions. Algorithms developed to predict the effect of sequence changes on RNA splicing suggest that this variant may disrupt the consensus splice site, but this prediction has not been confirmed by published transcriptional studies. Donor and acceptor splice site variants typically lead to a loss of protein function (PMID: 16199547), and loss-of-function variants in GALT are known to be pathogenic (PMID: 22944367). In summary, the currently available evidence indicates that the variant is pathogenic, but additional data are needed to prove that conclusively. Therefore, this variant has been classified as Likely Pathogenic.

Literature cited by the submitters: PubMed 16199547 (cited by Labcorp Genetics (formerly Invitae), Labcorp); PubMed 22944367 (cited by Labcorp Genetics (formerly Invitae), Labcorp).